The following is an entry in ClinVar:

ClinVar aggregate classification (germline): Uncertain significance (1 of 4 stars; one submission).

Conditions:
Cardiovascular phenotype. Identifiers: MedGen CN230736.

Submission:

Ambry Genetics
Classification: Uncertain significance for Cardiovascular phenotype. Last evaluated: 2017-02-16. Review status: criteria provided, single submitter. Criteria: Ambry Variant Classification Scheme 2023. Collection method: clinical testing. Allele origin: germline.
Comment: The p.Y14055S variant (also known as c.42164A>C), located in coding exon 151 of the TTN gene, results from an A to C substitution at nucleotide position 42164. The tyrosine at codon 14055 is replaced by serine, an amino acid with dissimilar properties. This amino acid position is highly conserved in available vertebrate species. In addition, this alteration is predicted to be tolerated by in silico analysis. Since supporting evidence is limited at this time, the clinical significance of this alteration remains unclear.

NM_001267550.2(TTN):c.69359A>C (p.Tyr23120Ser)

Genes: TTN (titin; minus strand), TTN-AS1 (TTN antisense RNA 1; plus strand). Cytogenetic location: 2q31.2.
Variant type: single nucleotide variant.
Coding change: c.69359A>C on transcript NM_001267550.2 (MANE Select); coding-DNA position 69359, A replaced by C.
Protein change: p.Tyr23120Ser; replaces tyrosine 23120 with serine.
Molecular consequence: missense variant.
Genome position (GRCh38, 1-based): chr2:178,576,976, T>G on the plus strand (A>C on the coding strand, the complement: TTN is on the minus strand). VCF-style: chr2-178576976-T-G. GRCh37 (hg19) VCF-style: chr2-179441703-T-G.
Other names: c.64436A>C, p.Tyr21479Ser (NM_001256850.1); c.42164A>C, p.Tyr14055Ser (NM_003319.4); c.61655A>C, p.Tyr20552Ser (NM_133378.4); c.42539A>C, p.Tyr14180Ser (NM_133432.3); c.42740A>C, p.Tyr14247Ser (NM_133437.4); short protein forms Y14055S, Y23120S, Y14247S, Y20552S, Y21479S, Y14180S.
Identifiers: ClinVar variation 519150 (VCV000519150.5), dbSNP rs1271048199, ClinGen allele CA349668935.